The following is an entry in ClinVar:

ClinVar aggregate classification (germline): Pathogenic/Likely pathogenic. Review status: criteria provided, multiple submitters, no conflicts (2 of 4 stars). 5 submissions from 5 submitters: Pathogenic (1); Likely pathogenic (3). 1 of the submissions does not count toward it. Last evaluated 2025-11-20.

Conditions:
Intellectual developmental disorder, autosomal recessive 44. Also called: Intellectual disability, autosomal recessive 44. Identifiers: Orphanet 88616, MedGen C4014745, MONDO:0014409, OMIM 615942.

Allele frequency attached by ClinVar (database versions not stated): gnomAD exomes 0.00005 and 0.00006; TOPMed 0.00004; ExAC 0.00007; gnomAD 0.00003.

Submissions (5):

Kasturba Medical College, Manipal, Kasturba Medical College, Manipal, Manipal Academy of Higher Education, Manipal, India
Classification: Likely pathogenic for Intellectual developmental disorder, autosomal recessive 44. Last evaluated: 2025-11-20. Review status: criteria provided, single submitter. Criteria: ACMG Guidelines, 2015. Collection method: research. Allele origin: biparental. Inheritance: Autosomal recessive inheritance. Affected: yes.
Comment: A known frameshift deletion, c.470_471del in exon 5 of METTL23 was observed in a homozygous state in proabnd (Almannai et al., 2020). This variant is present in a heterozygous state in 15 individuals and absent in a homozygous state in the gnomAD population database (v4.1.0). This variant is present in a heterozygous state in one individual and absent in a homozygous state in our in-house exome database of 3851 individuals. This deletion is likely to cause a shift in the reading frame and result in a premature truncation of the transcript, which can either lead to nonsense-mediated mRNA decay or the formation of a truncated METTL23 protein product.

GeneDx
Classification: Likely pathogenic. Last evaluated: 2025-11-10. Review status: criteria provided, single submitter. Criteria: GeneDx Variant Classification Process June 2021. Collection method: clinical testing. Allele origin: germline. Affected: yes.
Comment: Frameshift variant predicted to result in abnormal protein length as the last 34 amino acid(s) are replaced with 3 different amino acid(s), and other similar variants have been reported in HGMD; This variant is associated with the following publications: (PMID: 32067349, 35533453)

3billion
Classification: Pathogenic for Intellectual developmental disorder, autosomal recessive 44. Last evaluated: 2023-12-06. Review status: criteria provided, single submitter. Criteria: ACMG Guidelines, 2015. Collection method: clinical testing. Allele origin: germline. Affected: yes.
Comment: The variant is observed at an extremely low frequency in the gnomAD v2.1.1 dataset (total allele frequency: 0.006%). Predicted Consequence/Location: Frameshift: predicted to result in a loss or disruption of normal protein function through protein truncation. Multiple pathogenic variants are reported in the predicted truncated region. The variant has been reported at least twice as pathogenic with clinical assertions and evidence for the classification (ClinVar ID: VCV000420567 /PMID: 32067349). Therefore, this variant is classified as Pathogenic according to the recommendation of ACMG/AMP guideline.

Institute of Medical Genetics and Applied Genomics, University Hospital Tübingen
Classification: Likely pathogenic. Last evaluated: 2021-06-17. Review status: criteria provided, single submitter. Criteria: ACMG Guidelines, 2015. Collection method: clinical testing. Allele origin: germline. Inheritance: Autosomal recessive inheritance. Affected: yes.

Molecular Genetics Laboratory, BC Children's and BC Women's Hospitals
Classification: Likely pathogenic for Intellectual developmental disorder, autosomal recessive 44. Last evaluated: 2025-03-27. Review status: no assertion criteria provided. Criteria: ACMG Guidelines, 2015. Collection method: clinical testing. Allele origin: paternal. Affected: yes. Not counted in ClinVar's aggregate classification.

Literature cited by the submitters: PubMed 32067349 (cited by Kasturba Medical College, Manipal, Kasturba Medical College, Manipal, Manipal Academy of Higher Education, Manipal, India and 3billion).

NM_001080510.5(METTL23):c.470_471del (p.Leu157fs)

Gene: METTL23 (methyltransferase 23, arginine; plus strand). Cytogenetic location: 17q25.1.
Variant type: Deletion.
Coding change: c.470_471del on transcript NM_001080510.5 (MANE Select); coding-DNA positions 470 to 471, 2 bases deleted (TT; older notation c.470_471delTT).
Protein change: p.Leu157fs; shifts the reading frame from leucine 157.
Molecular consequence: frameshift variant. On other transcripts: non-coding transcript variant (1).
Genome position (GRCh38, 1-based): chr17:76,733,583-76,733,584, TT deleted. VCF-style (leftmost placement, unchanged base first): chr17-76733582-CTT-C. GRCh37 (hg19) VCF-style: chr17-74729664-CTT-C.
Other names: c.470_471delTT (NM_001080510.4); c.470_471del, p.Leu157fs (NM_001206983.3, NM_001206984.3, NM_001302703.2 and 2 more transcripts); c.269_270del, p.Leu90fs (NM_001206985.3, NM_001206986.3, NM_001206987.3 and 2 more transcripts); c.458_459del, p.Leu153fs (NM_001302705.2, NM_001378350.1, NM_001378351.1 and 2 more transcripts); short protein forms L90fs, L153fs, L157fs.
Identifiers: ClinVar variation 420567 (VCV000420567.13), dbSNP rs760933323, ClinGen allele CA8790216.